The following is an entry in ClinVar:

ClinVar aggregate classification (germline): Uncertain significance (1 of 4 stars; one submission).

Conditions:
Charcot-Marie-Tooth disease recessive intermediate C. Also called: CHARCOT-MARIE-TOOTH NEUROPATHY, RECESSIVE INTERMEDIATE C. Identifiers: Orphanet 369867, MedGen C3809309, MONDO:0014154, OMIM 615376.
Neuronopathy, distal hereditary motor, autosomal recessive 4. Also called: Autosomal recessive lower motor neuron disease with childhood onset; NEUROPATHY, DISTAL HEREDITARY MOTOR, AUTOSOMAL RECESSIVE 4. Identifiers: Orphanet 206580, MedGen C1970211, MONDO:0012608, OMIM 611067.

Allele frequency attached by ClinVar (database versions not stated): TOPMed below 0.00001; gnomAD 0.00001.
gnomAD v4.1: 2 of 1,586,986 alleles (0.00013%); highest among the groups gnomAD compares: Non-Finnish European, 0.00017%; no homozygotes.

Submission:

Labcorp Genetics (formerly Invitae), Labcorp
Classification: Uncertain significance for Neuronopathy, distal hereditary motor, autosomal recessive 4; Charcot-Marie-Tooth disease recessive intermediate C. Last evaluated: 2021-08-24. Review status: criteria provided, single submitter. Criteria: Invitae Variant Classification Sherloc (09022015). Collection method: clinical testing. Allele origin: germline.
Comment: This sequence change replaces phenylalanine with serine at codon 432 of the PLEKHG5 protein (p.Phe432Ser). The phenylalanine residue is highly conserved and there is a large physicochemical difference between phenylalanine and serine. This variant is not present in population databases (ExAC no frequency). This variant has not been reported in the literature in individuals affected with PLEKHG5-related conditions. Algorithms developed to predict the effect of missense changes on protein structure and function (SIFT, PolyPhen-2, Align-GVGD) all suggest that this variant is likely to be tolerated. In summary, the available evidence is currently insufficient to determine the role of this variant in disease. Therefore, it has been classified as a Variant of Uncertain Significance.

NM_020631.6(PLEKHG5):c.1295T>C (p.Phe432Ser)

Gene: PLEKHG5 (pleckstrin homology and RhoGEF domain containing G5; minus strand). Cytogenetic location: 1p36.31.
Variant type: single nucleotide variant.
Coding change: c.1295T>C on transcript NM_020631.6 (MANE Select); coding-DNA position 1295, T replaced by C.
Protein change: p.Phe432Ser; replaces phenylalanine 432 with serine.
Molecular consequence: missense variant.
Genome position (GRCh38, 1-based): chr1:6,471,087, A>G on the plus strand (T>C on the coding strand, the complement: PLEKHG5 is on the minus strand). VCF-style: chr1-6471087-A-G. GRCh37 (hg19) VCF-style: chr1-6531147-A-G.
Other names: c.1406T>C, p.Phe469Ser (NM_001042663.3, NM_001265592.2); c.1295T>C, p.Phe432Ser (NM_001042664.2, NM_001042665.2, NM_001265594.3 and 1 more transcripts); c.1502T>C, p.Phe501Ser (NM_001265593.2); short protein forms F432S, F501S, F469S.
Identifiers: ClinVar variation 567603 (VCV000567603.6), dbSNP rs1384133118, ClinGen allele CA338128396.